The following is an entry in ClinVar:

NM_001267550.2(TTN):c.107589del (p.Phe35863fs)

Genes: TTN (titin; minus strand), TTN-AS1 (TTN antisense RNA 1; plus strand). Cytogenetic location: 2q31.2.
Variant type: Deletion.
Coding change: c.107589del on transcript NM_001267550.2 (MANE Select); coding-DNA position 107589, one base deleted (T; older notation c.107589delT).
Protein change: p.Phe35863fs; shifts the reading frame from phenylalanine 35863.
Molecular consequence: frameshift variant.
Genome position (GRCh38, 1-based): chr2:178,527,537, A deleted on the plus strand (T on the coding strand, the reverse complement: TTN is on the minus strand); the first of 3 consecutive A bases (chr2:178,527,537-178,527,539); deleting any one gives the same sequence. VCF-style (leftmost placement, unchanged base first): chr2-178527536-CA-C. GRCh37 (hg19) VCF-style: chr2-179392263-CA-C.
Other names: c.102666del, p.Phe34222fs (NM_001256850.1); c.80394del, p.Phe26798fs (NM_003319.4); c.99885del, p.Phe33295fs (NM_133378.4); c.80769del, p.Phe26923fs (NM_133432.3); c.80970del, p.Phe26990fs (NM_133437.4); c.80394delT (NM_003319.4); short protein forms F33295fs, F34222fs, F26923fs, F26990fs, F35863fs, F26798fs.
Identifiers: ClinVar variation 3464255 (VCV003464255.1).

ClinVar aggregate classification (germline): Likely pathogenic (1 of 4 stars; one submission).

Conditions:
Cardiovascular phenotype. Identifiers: MedGen CN230736.

Submission:

Ambry Genetics
Classification: Likely pathogenic for Cardiovascular phenotype. Last evaluated: 2024-12-05. Review status: criteria provided, single submitter. Criteria: Ambry Variant Classification Scheme 2023. Collection method: clinical testing. Allele origin: germline.
Comment: The c.80394delT variant, located in coding exon 189 of the TTN gene, results from a deletion of one nucleotide at nucleotide position 80394, causing a translational frameshift with a predicted alternate stop codon (p.F26798Lfs*2). This exon is located in the M-band region of the N2-B isoform of the titin protein and is constitutively expressed in TTN transcripts (percent spliced in or PSI 99%). This variant is considered to be rare based on population cohorts in the Genome Aggregation Database (gnomAD). This alteration is expected to result in loss of function by premature protein truncation or nonsense-mediated mRNA decay. While truncating variants in TTN are present in 1-3% of the general population, truncating variants in the M-band have been reported in association with autosomal recessive titinopathies, primarily presenting with skeletal myopathy phenotypes (Ceyhan-Birsoy O et al. Neurology. 2013 Oct 1;81(14):1205-14; De Cid R et al. Neurology. 2015;85(24):2126-35). In addition, regardless of their position, TTN truncating variants encoded in constitutive exons (PSI >90%) have been found to be significantly associated with dilated cardiomyopathy (DCM), though truncating variants in the A-band are the most common cause of DCM (Herman DS et al. N. Engl. J. Med., 2012 Feb;366:619-28; Roberts AM et al. Sci Transl Med, 2015 Jan;7:270ra6; Schafer S et al. Nat. Genet., 2017 01;49:46-53). Based on the majority of available evidence to date, this variant is likely to be pathogenic in association with autosomal recessive titinopathy; however, the clinical significance of this alteration with respect to cardiomyopathy remains unclear.